The following is an entry in ClinVar:

ClinVar aggregate classification (germline): Uncertain significance. Review status: criteria provided, multiple submitters, no conflicts (2 of 4 stars). 3 submissions from 3 submitters: Uncertain significance (3). Last evaluated 2025-03-01.

Conditions:
Hypertrophic cardiomyopathy 14. Identifiers: MedGen C2750467, MONDO:0013197, OMIM 613251.
Cardiovascular phenotype. Identifiers: MedGen CN230736.
Hypertrophic cardiomyopathy 1 (CMH1). Also called: MYH7-Related Familial Hypertrophic Cardiomyopathy; Familial hypertrophic cardiomyopathy 1. Identifiers: MedGen C3495498, MONDO:0008647, OMIM 192600.
Sick sinus syndrome 3, susceptibility to (SSS3). Identifiers: Orphanet 166282, MedGen C3279791, MONDO:0013568, OMIM 614090.
Atrial septal defect 3 (ASD3). Identifiers: Orphanet 1478, MedGen C3279790, MONDO:0013567, OMIM 614089.
Dilated cardiomyopathy 1EE (CMD1EE). Identifiers: Orphanet 154, MedGen C2750466, MONDO:0013198, OMIM 613252.

Submissions (3):

Ambry Genetics
Classification: Uncertain significance for Cardiovascular phenotype. Last evaluated: 2025-03-01. Review status: criteria provided, single submitter. Criteria: Ambry Variant Classification Scheme 2023. Collection method: clinical testing. Allele origin: germline.
Comment: The c.1793dupA variant, located in coding exon 13 of the MYH6 gene, results from a duplication of A at nucleotide position 1793, causing a translational frameshift with a predicted alternate stop codon (p.N598Kfs*38). This variant was reported in individual(s) with features consistent with congenital heart disease and cardiomyopathy (Jin SC et al. Nat Genet, 2017 Nov;49:1593-1601; Richard P et al. Clin Genet, 2019 Mar;95:356-367). This alteration is expected to result in protein truncation or nonsense-mediated mRNA decay. However, loss of function of MYH6 has not been established as a mechanism of disease. Based on the available evidence, the clinical significance of this alteration remains unclear.

Labcorp Genetics (formerly Invitae), Labcorp
Classification: Uncertain significance for Hypertrophic cardiomyopathy 14. Last evaluated: 2024-02-17. Review status: criteria provided, single submitter. Criteria: Invitae Variant Classification Sherloc (09022015). Collection method: clinical testing. Allele origin: germline.
Comment: This sequence change creates a premature translational stop signal (p.Asn598Lysfs*38) in the MYH6 gene. It is expected to result in an absent or disrupted protein product. However, the current clinical and genetic evidence is not sufficient to establish whether loss-of-function variants in MYH6 cause disease. This variant is present in population databases (rs774500922, gnomAD 0.007%). This premature translational stop signal has been observed in individual(s) with congenital heart defects and cardiomyopathies (PMID: 28991257, 30385303, 30471092, 34088380). ClinVar contains an entry for this variant (Variation ID: 666044). In summary, the available evidence is currently insufficient to determine the role of this variant in disease. Therefore, it has been classified as a Variant of Uncertain Significance.

Fulgent Genetics
Classification: Uncertain significance for Hypertrophic cardiomyopathy 1; Hypertrophic cardiomyopathy 14; Dilated cardiomyopathy 1EE; Atrial septal defect 3; Sick sinus syndrome 3, susceptibility to. Last evaluated: 2021-10-18. Review status: criteria provided, single submitter. Criteria: ACMG Guidelines, 2015. Collection method: clinical testing. Allele origin: unknown.

Literature cited by the submitters: PubMed 28991257 (cited by Ambry Genetics and Labcorp Genetics (formerly Invitae), Labcorp); PubMed 30471092 (cited by Ambry Genetics and Labcorp Genetics (formerly Invitae), Labcorp); PubMed 30385303 (cited by Labcorp Genetics (formerly Invitae), Labcorp); PubMed 34088380 (cited by Labcorp Genetics (formerly Invitae), Labcorp).

NM_002471.4(MYH6):c.1793dup (p.Asn598fs)

Gene: MYH6 (myosin heavy chain 6; minus strand). Cytogenetic location: 14q11.2.
Variant type: Duplication.
Coding change: c.1793dup on transcript NM_002471.4 (MANE Select); coding-DNA position 1793, one base duplicated (A; older notation c.1793dupA).
Protein change: p.Asn598fs; shifts the reading frame from asparagine 598.
Molecular consequence: frameshift variant.
Genome position (GRCh38, 1-based): chr14:23,398,826, T duplicated on the plus strand (A on the coding strand, the reverse complement: MYH6 is on the minus strand); the first of 7 consecutive T bases (chr14:23,398,826-23,398,832); duplicating any one gives the same sequence. VCF-style (leftmost placement, unchanged base first): chr14-23398825-G-GT. GRCh37 (hg19) VCF-style: chr14-23868034-G-GT.
Other names: c.1793dupA (NM_002471.3); short protein forms N598fs.
Identifiers: ClinVar variation 666044 (VCV000666044.8), dbSNP rs774500922, ClinGen allele CA7115711.